The following is an entry in ClinVar:

NM_001161748.2(LIM2):c.158T>C (p.Leu53Pro)

Genes: LIM2 (lens intrinsic membrane protein 2; minus strand), LIM2-AS1 (LIM2 and SIGLEC10 antisense RNA 1; plus strand). Cytogenetic location: 19q13.41.
Variant type: single nucleotide variant.
Coding change: c.158T>C on transcript NM_001161748.2 (MANE Select); coding-DNA position 158, T replaced by C.
Protein change: p.Leu53Pro; replaces leucine 53 with proline.
Molecular consequence: missense variant.
Genome position (GRCh38, 1-based): chr19:51,387,286, A>G on the plus strand (T>C on the coding strand, the complement: LIM2 is on the minus strand). VCF-style: chr19-51387286-A-G. GRCh37 (hg19) VCF-style: chr19-51890540-A-G.
Other names: c.158T>C, p.Leu53Pro (NM_030657.4); short protein forms L53P.
Identifiers: ClinVar variation 2634448 (VCV002634448.2), dbSNP rs868788436, ClinGen allele CA309723312.

ClinVar aggregate classification (germline): Uncertain significance. Review status: criteria provided, multiple submitters, no conflicts (2 of 4 stars). 2 submissions from 2 submitters: Uncertain significance (2). Last evaluated 2025-03-27.

Conditions:
Inborn genetic diseases. Identifiers: MedGen C0950123, MeSH D030342.
LIM2-related disorder. Also called: LIM2-related condition.

Allele frequency attached by ClinVar (database versions not stated): gnomAD exomes 0.00001; TOPMed 0.00007; gnomAD 0.00009.
gnomAD v4.1: 21 of 1,614,054 alleles (0.0013%); highest among the groups gnomAD compares: African/African-American, 0.028%; no homozygotes.

Submissions (2):

Ambry Genetics
Classification: Uncertain significance for Inborn genetic diseases. Last evaluated: 2025-03-27. Review status: criteria provided, single submitter. Criteria: Ambry Variant Classification Scheme 2023. Collection method: clinical testing. Allele origin: germline.

PreventionGenetics, part of Exact Sciences
Classification: Uncertain significance for LIM2-related condition. Last evaluated: 2023-02-09. Review status: criteria provided, single submitter. Criteria: ACMG Guidelines, 2015. Collection method: clinical testing. Allele origin: germline.
Comment: The LIM2 c.158T>C variant is predicted to result in the amino acid substitution p.Leu53Pro. To our knowledge, this variant has not been reported in the literature. This variant is reported in 0.012% of alleles in individuals of African descent in gnomAD. At this time, the clinical significance of this variant is uncertain due to the absence of conclusive functional and genetic evidence.